The following is an entry in ClinVar:

NM_002691.4(POLD1):c.2705A>G (p.Glu902Gly)

Gene: POLD1 (DNA polymerase delta 1, catalytic subunit; plus strand). Cytogenetic location: 19q13.33.
Variant type: single nucleotide variant.
Coding change: c.2705A>G on transcript NM_002691.4 (MANE Select); coding-DNA position 2705, A replaced by G.
Protein change: p.Glu902Gly; replaces glutamic acid 902 with glycine.
Molecular consequence: missense variant. On other transcripts: non-coding transcript variant (1).
Genome position (GRCh38, 1-based): chr19:50,415,578, A>G. VCF-style: chr19-50415578-A-G. GRCh37 (hg19) VCF-style: chr19-50918835-A-G.
Other names: c.2705A>G (NM_002691.2, NM_002691.3); c.2705A>G, p.Glu902Gly (NM_001256849.1); c.2783A>G, p.Glu928Gly (NM_001308632.1); short protein forms E902G, E928G.
Identifiers: ClinVar variation 2779442 (VCV002779442.6), dbSNP rs2514054678, ClinGen allele CA406985707.

ClinVar aggregate classification (germline): Uncertain significance. Review status: criteria provided, multiple submitters, no conflicts (2 of 4 stars). 4 submissions from 4 submitters: Uncertain significance (4). Last evaluated 2025-04-24.

Conditions:
POLD1-related polyposis and colorectal cancer syndrome (CRCS10). Also called: Colorectal cancer 10; Colorectal cancer, susceptibility to, 10; COLORECTAL CANCER, SUSCEPTIBILITY TO, ON CHROMOSOME 19q. Identifiers: Orphanet 220460, MedGen C2675481, MONDO:0012953, OMIM 612591.
Hereditary cancer-predisposing syndrome. Also called: Tumor predisposition; Hereditary Cancer Syndrome; Hereditary neoplastic syndrome; Neoplastic Syndromes, Hereditary. Identifiers: Orphanet 140162, MedGen C0027672, MeSH D009386, MONDO:0015356.

Submissions (4):

Labcorp Genetics (formerly Invitae), Labcorp
Classification: Uncertain significance for POLD1-related polyposis and colorectal cancer syndrome. Last evaluated: 2025-04-24. Review status: criteria provided, single submitter. Criteria: Invitae Variant Classification Sherloc (09022015). Collection method: clinical testing. Allele origin: germline.
Comment: This sequence change replaces glutamic acid, which is acidic and polar, with glycine, which is neutral and non-polar, at codon 902 of the POLD1 protein (p.Glu902Gly). This variant is not present in population databases (gnomAD no frequency). This variant has not been reported in the literature in individuals affected with POLD1-related conditions. ClinVar contains an entry for this variant (Variation ID: 2779442). Invitae Evidence Modeling of protein sequence and biophysical properties (such as structural, functional, and spatial information, amino acid conservation, physicochemical variation, residue mobility, and thermodynamic stability) indicates that this missense variant is expected to disrupt POLD1 protein function with a positive predictive value of 80%. Algorithms developed to predict the effect of sequence changes on RNA splicing suggest that this variant may disrupt the consensus splice site. In summary, the available evidence is currently insufficient to determine the role of this variant in disease. Therefore, it has been classified as a Variant of Uncertain Significance.

Ambry Genetics
Classification: Uncertain significance for Hereditary cancer-predisposing syndrome. Last evaluated: 2025-04-01. Review status: criteria provided, single submitter. Criteria: Ambry Variant Classification Scheme 2023. Collection method: clinical testing. Allele origin: germline.
Comment: The p.E902G variant (also known as c.2705A>G), located in coding exon 20 of the POLD1 gene, results from an A to G substitution at nucleotide position 2705. The glutamic acid at codon 902 is replaced by glycine, an amino acid with similar properties. This amino acid position is well conserved in available vertebrate species. In addition, the in silico prediction for this alteration is inconclusive. Based on the available evidence, the clinical significance of this variant remains unclear.

GeneDx
Classification: Uncertain significance. Last evaluated: 2024-08-02. Review status: criteria provided, single submitter. Criteria: GeneDx Variant Classification Process June 2021. Collection method: clinical testing. Allele origin: germline. Affected: yes.
Comment: Not observed at significant frequency in large population cohorts (gnomAD); In silico analysis supports that this missense variant has a deleterious effect on protein structure/function; In silico analysis supports a deleterious effect on splicing; Has not been previously published as pathogenic or benign to our knowledge

Blueprint Genetics
Classification: Uncertain significance. Last evaluated: 2021-01-11. Review status: criteria provided, single submitter. Criteria: ACMG Guidelines, 2015. Collection method: clinical testing. Allele origin: germline.